The following is an entry in ClinVar:

NM_005859.5(PURA):c.540_544dup (p.Ser182fs)

Gene: PURA (purine rich element binding protein A; plus strand). Cytogenetic location: 5q31.3.
Variant type: Duplication.
Coding change: c.540_544dup on transcript NM_005859.5 (MANE Select); coding-DNA positions 540 to 544, 5 bases duplicated (GGGCT; older notation c.540_544dupGGGCT).
Protein change: p.Ser182fs; shifts the reading frame from serine 182.
Molecular consequence: frameshift variant.
Genome position (GRCh38, 1-based): chr5:140,114,721-140,114,725, GGGCT duplicated; duplicating any 5 consecutive bases within chr5:140,114,719-140,114,725 gives the same sequence; the c. name uses the placement nearest the transcript's 3' end. VCF-style (leftmost placement, unchanged base first): chr5-140114718-C-CCTGGG. GRCh37 (hg19) VCF-style: chr5-139494303-C-CCTGGG.
Other names: short protein forms S182fs.
Identifiers: ClinVar variation 2664981 (VCV002664981.2), dbSNP rs2479505592, ClinGen allele CA2695198761.

ClinVar aggregate classification (germline): Likely pathogenic (1 of 4 stars; one submission).

Conditions:
PURA-related severe neonatal hypotonia-seizures-encephalopathy syndrome (NEDRIHF). Also called: NEURODEVELOPMENTAL DISORDER WITH NEONATAL RESPIRATORY INSUFFICIENCY, HYPOTONIA, AND FEEDING DIFFICULTIES; PURA-Related Neurodevelopmental Disorders. Identifiers: Orphanet 438213, Orphanet 438216, MedGen C4015357, MONDO:1060108, OMIM 616158, MONDO:0018580.

Submission:

Institute of Human Genetics, University of Leipzig Medical Center
Classification: Likely pathogenic for PURA-related severe neonatal hypotonia-seizures-encephalopathy syndrome. Last evaluated: 2023-11-27. Review status: criteria provided, single submitter. Criteria: ACMG Guidelines, 2015. Collection method: clinical testing. Allele origin: unknown. Inheritance: Autosomal dominant inheritance. Affected: yes.
Comment: Criteria applied: PVS1,PM2_SUP